The following is an entry in ClinVar:

ClinVar aggregate classification (germline): Likely benign. Review status: criteria provided, multiple submitters, no conflicts (2 of 4 stars). 3 submissions from 3 submitters: Likely benign (3). Last evaluated 2026-09-04.

Conditions:
Myofibrillar myopathy 5. Also called: FILAMINOPATHY, AUTOSOMAL DOMINANT; Filaminopathy (type). Identifiers: Orphanet 171445, MedGen C1836050, MONDO:0012289, OMIM 609524.
Hypertrophic cardiomyopathy 26. Also called: Cardiomyopathy, familial hypertrophic, 26. Identifiers: Orphanet 75249, MedGen C4310749, MONDO:0014883, OMIM 617047.
Distal myopathy with posterior leg and anterior hand involvement. Also called: WILLIAMS DISTAL MYOPATHY. Identifiers: Orphanet 63273, MedGen C3279722, MONDO:0013550, OMIM 614065.
FLNC-related disorder. Also called: FLNC-related disorders; FLNC-related condition.
Cardiovascular phenotype. Identifiers: MedGen CN230736.

Allele frequency attached by ClinVar (database versions not stated): gnomAD exomes 0.00001; ExAC 0.00002; gnomAD 0.00002 and 0.00003; TOPMed 0.00002; ESP Exome Variant Server 0.00008.
gnomAD v4.1: 14 of 1,613,918 alleles (0.00087%); highest among the groups gnomAD compares: African/African-American, 0.011%; no homozygotes.

Submissions (3):

PreventionGenetics, part of Exact Sciences
Classification: Likely benign for FLNC-related condition. Last evaluated: 2026-09-04. Review status: criteria provided, single submitter. Criteria: ACMG Guidelines, 2015. Collection method: clinical testing. Allele origin: germline.
Comment: This variant is classified as likely benign based on ACMG/AMP sequence variant interpretation guidelines (Richards et al. 2015 PMID: 25741868, with internal and published modifications).

Labcorp Genetics (formerly Invitae), Labcorp
Classification: Likely benign for Distal myopathy with posterior leg and anterior hand involvement; Myofibrillar myopathy 5; Hypertrophic cardiomyopathy 26. Last evaluated: 2025-12-08. Review status: criteria provided, single submitter. Criteria: Invitae Variant Classification Sherloc (09022015). Collection method: clinical testing. Allele origin: germline.

Ambry Genetics
Classification: Likely benign for Cardiovascular phenotype. Last evaluated: 2020-06-11. Review status: criteria provided, single submitter. Criteria: Ambry Variant Classification Scheme 2023. Collection method: clinical testing. Allele origin: germline.

NM_001458.5(FLNC):c.408G>A (p.Thr136=)

Gene: FLNC (filamin C; plus strand). Cytogenetic location: 7q32.1.
Variant type: single nucleotide variant.
Coding change: c.408G>A on transcript NM_001458.5 (MANE Select); coding-DNA position 408, G replaced by A.
Protein change: p.Thr136=; no amino-acid change (threonine 136 retained).
Molecular consequence: synonymous variant.
Genome position (GRCh38, 1-based): chr7:128,835,381, G>A. VCF-style: chr7-128835381-G-A. GRCh37 (hg19) VCF-style: chr7-128475435-G-A.
Other names: c.408G>A, p.Thr136= (NM_001127487.2).
Identifiers: ClinVar variation 472058 (VCV000472058.15), dbSNP rs370110008, ClinGen allele CA4474031.